The following is an entry in ClinVar:

ClinVar aggregate classification (germline): Uncertain significance (1 of 4 stars; one submission).

Conditions:
TCF20-related disorder. Also called: TCF20-related condition.

gnomAD v4.1: 10 of 1,614,038 alleles (0.00062%); highest among the groups gnomAD compares: East Asian, 0.011%; no homozygotes.

Submission:

PreventionGenetics, part of Exact Sciences
Classification: Uncertain significance for TCF20-related condition. Last evaluated: 2024-10-26. Review status: criteria provided, single submitter. Criteria: ACMG Guidelines, 2015. Collection method: clinical testing. Allele origin: germline.
Comment: The TCF20 c.3203G>A variant is predicted to result in the amino acid substitution p.Arg1068Gln. To our knowledge, this variant has not been reported in the literature. This variant is reported in 0.011% of alleles in individuals of East Asian descent in gnomAD. At this time, the clinical significance of this variant is uncertain due to the absence of conclusive functional and genetic evidence.

NM_001378418.1(TCF20):c.3203G>A (p.Arg1068Gln)

Gene: TCF20 (transcription factor 20; minus strand). Cytogenetic location: 22q13.2.
Variant type: single nucleotide variant.
Coding change: c.3203G>A on transcript NM_001378418.1 (MANE Select); coding-DNA position 3203, G replaced by A.
Protein change: p.Arg1068Gln; replaces arginine 1068 with glutamine.
Molecular consequence: missense variant.
Genome position (GRCh38, 1-based): chr22:42,212,103, C>T on the plus strand (G>A on the coding strand, the complement: TCF20 is on the minus strand). VCF-style: chr22-42212103-C-T. GRCh37 (hg19) VCF-style: chr22-42608109-C-T.
Other names: c.3203G>A, p.Arg1068Gln (NM_005650.4, NM_181492.3); short protein forms R1068Q.
Identifiers: ClinVar variation 4977959 (VCV004977959.1).